The following is an entry in ClinVar:

ClinVar aggregate classification (germline): Uncertain significance (1 of 4 stars; one submission).

gnomAD v4.1: 3 of 1,614,172 alleles (0.00019%); highest among the groups gnomAD compares: African/African-American, 0.0027%; no homozygotes.

Submission:

GeneDx
Classification: Uncertain significance. Last evaluated: 2022-08-25. Review status: criteria provided, single submitter. Criteria: GeneDx Variant Classification Process June 2021. Collection method: clinical testing. Allele origin: germline. Affected: yes.
Comment: Not observed at significant frequency in large population cohorts (gnomAD); In silico analysis supports that this missense variant does not alter protein structure/function; Has not been previously published as pathogenic or benign to our knowledge

NM_001291303.3(FAT4):c.2827A>C (p.Asn943His)

Gene: FAT4 (FAT atypical cadherin 4; plus strand). Cytogenetic location: 4q28.1.
Variant type: single nucleotide variant.
Coding change: c.2827A>C on transcript NM_001291303.3 (MANE Select); coding-DNA position 2827, A replaced by C.
Protein change: p.Asn943His; replaces asparagine 943 with histidine.
Molecular consequence: missense variant.
Genome position (GRCh38, 1-based): chr4:125,319,238, A>C. VCF-style: chr4-125319238-A-C. GRCh37 (hg19) VCF-style: chr4-126240393-A-C.
Other names: c.2827A>C, p.Asn943His (NM_001291285.3, NM_024582.6); short protein forms N943H.
Identifiers: ClinVar variation 2430559 (VCV002430559.1), dbSNP rs374282178, ClinGen allele CA104865516.